The following is an entry in ClinVar:

ClinVar aggregate classification (germline): Uncertain significance (1 of 4 stars; one submission).

Allele frequency attached by ClinVar (database versions not stated): ExAC 0.00002; gnomAD exomes 0.00002; TOPMed 0.00011; gnomAD 0.00012.
gnomAD v4.1: 42 of 1,614,106 alleles (0.0026%); highest among the groups gnomAD compares: African/African-American, 0.043%; no homozygotes.

Submission:

Labcorp Genetics (formerly Invitae), Labcorp
Classification: Uncertain significance. Last evaluated: 2022-03-04. Review status: criteria provided, single submitter. Criteria: Invitae Variant Classification Sherloc (09022015). Collection method: clinical testing. Allele origin: germline.
Comment: In summary, the available evidence is currently insufficient to determine the role of this variant in disease. Therefore, it has been classified as a Variant of Uncertain Significance. Algorithms developed to predict the effect of missense changes on protein structure and function are either unavailable or do not agree on the potential impact of this missense change (SIFT: "Not Available"; PolyPhen-2: "Possibly Damaging"; Align-GVGD: "Not Available"). This variant has not been reported in the literature in individuals affected with NDUFA6-related conditions. This variant is present in population databases (rs374704865, gnomAD 0.04%). This sequence change replaces arginine, which is basic and polar, with glutamine, which is neutral and polar, at codon 86 of the NDUFA6 protein (p.Arg86Gln).

NM_002490.6(NDUFA6):c.179G>A (p.Arg60Gln)

Gene: NDUFA6 (NADH:ubiquinone oxidoreductase subunit A6; minus strand). Cytogenetic location: 22q13.2.
Variant type: single nucleotide variant.
Coding change: c.179G>A on transcript NM_002490.6 (MANE Select); coding-DNA position 179, G replaced by A.
Protein change: p.Arg60Gln; replaces arginine 60 with glutamine.
Molecular consequence: missense variant.
Genome position (GRCh38, 1-based): chr22:42,087,136, C>T on the plus strand (G>A on the coding strand, the complement: NDUFA6 is on the minus strand). VCF-style: chr22-42087136-C-T. GRCh37 (hg19) VCF-style: chr22-42483140-C-T.
Other names: short protein forms R60Q.
Identifiers: ClinVar variation 1920394 (VCV001920394.3), dbSNP rs374704865, ClinGen allele CA10264375.